The following is an entry in ClinVar:

NM_000138.5(FBN1):c.2677+1del

Gene: FBN1 (fibrillin 1; minus strand). Cytogenetic location: 15q21.1.
Variant type: Deletion.
Coding change: c.2677+1del on transcript NM_000138.5 (MANE Select); the canonical splice donor site of the intron after coding-DNA position 2677, one base deleted (G; older notation c.2677+1delG).
Molecular consequence: splice donor variant.
Genome position (GRCh38, 1-based): chr15:48,495,122, C deleted on the plus strand (G on the coding strand, the reverse complement: FBN1 is on the minus strand); the first of 2 consecutive C bases (chr15:48,495,122-48,495,123); deleting either gives the same sequence. VCF-style (leftmost placement, unchanged base first): chr15-48495121-AC-A. GRCh37 (hg19) VCF-style: chr15-48787318-AC-A.
Other names: c.2677+1del (NM_001406716.1).
Identifiers: ClinVar variation 1073943 (VCV001073943.9), dbSNP rs2141303466, ClinGen allele CA2499223004.

ClinVar aggregate classification (germline): Pathogenic (1 of 4 stars; one submission).

Conditions:
Familial thoracic aortic aneurysm and aortic dissection (TAAD). Also called: Thoracic aortic aneurysms and dissections. Identifiers: Orphanet 91387, MedGen C4707243, MONDO:0019625.
Marfan syndrome (MFS). Also called: Marfan syndrome type 1; Marfan's syndrome; Marfan syndrome, classic; MARFAN SYNDROME, TYPE I; FBN1-Related Marfan Syndrome. Identifiers: Orphanet 284963, Orphanet 558, MedGen C0024796, MONDO:0007947, OMIM 154700.

Submission:

Labcorp Genetics (formerly Invitae), Labcorp
Classification: Pathogenic for Marfan syndrome; Familial thoracic aortic aneurysm and aortic dissection. Last evaluated: 2020-09-01. Review status: criteria provided, single submitter. Criteria: Invitae Variant Classification Sherloc (09022015). Collection method: clinical testing. Allele origin: germline.
Comment: This variant has not been reported in the literature in individuals with FBN1-related conditions. This variant is also known as c.2677+1del. This variant is not present in population databases (ExAC no frequency). This sequence change creates a premature translational stop signal (p.Asp893Ilefs*19) in the FBN1 gene. It is expected to result in an absent or disrupted protein product. Algorithms developed to predict the effect of sequence changes on RNA splicing suggest that this variant may disrupt the consensus splice site, but this prediction has not been confirmed by published transcriptional studies. For these reasons, this variant has been classified as Pathogenic. Loss-of-function variants in FBN1 are known to be pathogenic (PMID: 17657824, 19293843).

Literature cited by the submitters: PubMed 17657824; PubMed 19293843.